The following is an entry in ClinVar:

NM_004247.4(EFTUD2):c.2823+2T>C

Gene: EFTUD2 (elongation factor Tu GTP binding domain containing 2; minus strand). Cytogenetic location: 17q21.31.
Variant type: single nucleotide variant.
Coding change: c.2823+2T>C on transcript NM_004247.4 (MANE Select); the canonical splice donor site of the intron after coding-DNA position 2823, T replaced by C.
Molecular consequence: splice donor variant.
Genome position (GRCh38, 1-based): chr17:44,851,708, A>G on the plus strand (T>C on the coding strand, the complement: EFTUD2 is on the minus strand). VCF-style: chr17-44851708-A-G. GRCh37 (hg19) VCF-style: chr17-42929076-A-G.
Other names: c.2718+2T>C (NM_001142605.2); c.2793+2T>C (NM_001258354.2); c.2823+2T>C (NM_001258353.2).
Identifiers: ClinVar variation 4975173 (VCV004975173.1).

ClinVar aggregate classification (germline): Uncertain significance (1 of 4 stars; one submission).

Submission:

GeneDx
Classification: Uncertain significance. Last evaluated: 2026-01-22. Review status: criteria provided, single submitter. Criteria: GeneDx Variant Classification Process June 2021. Collection method: clinical testing. Allele origin: germline.
Comment: Not observed at significant frequency in large population cohorts (gnomAD); Has not been previously published as pathogenic or benign to our knowledge; In silico analysis is inconclusive as to whether the variant alters gene splicing. In the absence of RNA/functional studies, the actual effect of this sequence change is unknown.